The following is an entry in ClinVar:

NM_001378778.1(MPDZ):c.1870A>G (p.Ile624Val)

Gene: MPDZ (multiple PDZ domain crumbs cell polarity complex component; minus strand). Cytogenetic location: 9p23.
Variant type: single nucleotide variant.
Coding change: c.1870A>G on transcript NM_001378778.1 (MANE Select); coding-DNA position 1870, A replaced by G.
Protein change: p.Ile624Val; replaces isoleucine 624 with valine.
Molecular consequence: missense variant.
Genome position (GRCh38, 1-based): chr9:13,192,229, T>C on the plus strand (A>G on the coding strand, the complement: MPDZ is on the minus strand). VCF-style: chr9-13192229-T-C. GRCh37 (hg19) VCF-style: chr9-13192228-T-C.
Other names: c.1870A>G, p.Ile624Val (NM_001261406.2, NM_001261407.2, NM_001330637.2 and 14 more transcripts); c.1870A>G (NM_003829.3); short protein forms I624V.
Identifiers: ClinVar variation 1390062 (VCV001390062.6), dbSNP rs200291745, ClinGen allele CA4987643.

ClinVar aggregate classification (germline): Uncertain significance. Review status: criteria provided, multiple submitters, no conflicts (2 of 4 stars). 2 submissions from 2 submitters: Uncertain significance (2). Last evaluated 2026-01-26.

Conditions:
Inborn genetic diseases. Identifiers: MedGen C0950123, MeSH D030342.

Allele frequency attached by ClinVar (database versions not stated): gnomAD 0.00001; gnomAD exomes 0.00003 and 0.00005; TOPMed 0.00003; ExAC 0.00006; ESP Exome Variant Server 0.00017.
gnomAD v4.1: 45 of 1,608,366 alleles (0.0028%); highest among the groups gnomAD compares: South Asian, 0.0067%; no homozygotes.

Submissions (2):

Labcorp Genetics (formerly Invitae), Labcorp
Classification: Uncertain significance. Last evaluated: 2026-01-26. Review status: criteria provided, single submitter. Criteria: Invitae Variant Classification Sherloc (09022015). Collection method: clinical testing. Allele origin: germline.
Comment: This sequence change replaces isoleucine, which is neutral and non-polar, with valine, which is neutral and non-polar, at codon 624 of the MPDZ protein (p.Ile624Val). This variant is present in population databases (rs200291745, gnomAD 0.01%). This variant has not been reported in the literature in individuals affected with MPDZ-related conditions. ClinVar contains an entry for this variant (Variation ID: 1390062). An algorithm developed to predict the effect of missense changes on protein structure and function (PolyPhen-2) suggests that this variant is likely to be tolerated. In summary, the available evidence is currently insufficient to determine the role of this variant in disease. Therefore, it has been classified as a Variant of Uncertain Significance.

Ambry Genetics
Classification: Uncertain significance for Inborn genetic diseases. Last evaluated: 2025-03-26. Review status: criteria provided, single submitter. Criteria: Ambry Variant Classification Scheme 2023. Collection method: clinical testing. Allele origin: germline.